The following is an entry in ClinVar:

NM_001042492.3(NF1):c.5742A>G (p.Thr1914=)

Gene: NF1 (neurofibromin 1; plus strand). Cytogenetic location: 17q11.2.
Variant type: single nucleotide variant.
Coding change: c.5742A>G on transcript NM_001042492.3 (MANE Select); coding-DNA position 5742, A replaced by G.
Protein change: p.Thr1914=; no amino-acid change (threonine 1914 retained).
Molecular consequence: synonymous variant.
Genome position (GRCh38, 1-based): chr17:31,330,428, A>G. VCF-style: chr17-31330428-A-G. GRCh37 (hg19) VCF-style: chr17-29657446-A-G.
Other names: c.5679A>G, p.Thr1893= (NM_000267.4).
Identifiers: ClinVar variation 2747918 (VCV002747918.3), dbSNP rs1555533874, ClinGen allele CA499233509.
Genomic context (GRCh38, chr17:31,330,428, plus strand): 5'-GACATCAGGTTTATGTATCCCTGCCAACAACACCCTCTTTATTGTCTCTATTAGTAAGAC[A>G]CTGGCAGCCAATGAGCCACACCTCACGTTAGAATTTTTGGAAGAGTGTATTTCTGGATTT-3'
Protein context (NP_001035957.1, residues 1904-1924): NTLFIVSISK[Thr1914=]LAANEPHLTL

ClinVar aggregate classification (germline): Uncertain significance (1 of 4 stars; one submission).

Conditions:
Neurofibromatosis, type 1 (NF1). Also called: Peripheral type neurofibromatosis; NEUROFIBROMATOSIS, TYPE I, SOMATIC; VON RECKLINGHAUSEN DISEASE; Neurofibromatosis, type I. Identifiers: Orphanet 636, MedGen C0027831, MONDO:0018975, OMIM 162200. Disease mechanism: loss of function.

Submission:

Labcorp Genetics (formerly Invitae), Labcorp
Classification: Uncertain significance for Neurofibromatosis, type 1. Last evaluated: 2023-07-28. Review status: criteria provided, single submitter. Criteria: Invitae Variant Classification Sherloc (09022015). Collection method: clinical testing. Allele origin: germline.
Comment: This sequence change affects codon 1893 of the NF1 mRNA. It is a 'silent' change, meaning that it does not change the encoded amino acid sequence of the NF1 protein. In summary, the available evidence is currently insufficient to determine the role of this variant in disease. Therefore, it has been classified as a Variant of Uncertain Significance. Algorithms developed to predict the effect of sequence changes on RNA splicing suggest that this variant may create or strengthen a splice site. This variant has not been reported in the literature in individuals affected with NF1-related conditions. This variant is not present in population databases (gnomAD no frequency).